The following is an entry in ClinVar:

NM_001165963.4(SCN1A):c.5885A>G (p.Asp1962Gly)

Genes: SCN1A (sodium voltage-gated channel alpha subunit 1; minus strand), LOC102724058 (uncharacterized LOC102724058; plus strand). Cytogenetic location: 2q24.3.
Variant type: single nucleotide variant.
Coding change: c.5885A>G on transcript NM_001165963.4 (MANE Select); coding-DNA position 5885, A replaced by G.
Protein change: p.Asp1962Gly; replaces aspartic acid 1962 with glycine.
Molecular consequence: missense variant. On other transcripts: non-coding transcript variant (1).
Genome position (GRCh38, 1-based): chr2:165,991,390, T>C on the plus strand (A>G on the coding strand, the complement: SCN1A is on the minus strand). VCF-style: chr2-165991390-T-C. GRCh37 (hg19) VCF-style: chr2-166847900-T-C.
Other names: c.5801A>G, p.Asp1934Gly (NM_001165964.3, NM_001353957.2, NM_001353958.2); c.5885A>G, p.Asp1962Gly (NM_001202435.3, NM_001353948.2); c.5852A>G, p.Asp1951Gly (NM_001353949.2, NM_001353950.2, NM_001353951.2 and 2 more transcripts); c.5849A>G, p.Asp1950Gly (NM_001353954.2, NM_001353955.2); c.5798A>G, p.Asp1933Gly (NM_001353960.2); c.3443A>G, p.Asp1148Gly (NM_001353961.2); short protein forms D1148G, D1933G, D1934G, D1950G, D1951G, D1962G.
Identifiers: ClinVar variation 1002875 (VCV001002875.9), dbSNP rs1689109230, ClinGen allele CA349063345.

ClinVar aggregate classification (germline): Uncertain significance (1 of 4 stars; one submission).

Conditions:
Early-infantile DEE. Also called: Early infantile epileptic encephalopathy with suppression bursts; Early infantile epileptic encephalopathy; Ohtahara syndrome. Identifiers: Orphanet 1934, MedGen C0393706, MONDO:0800491.

Allele frequency attached by ClinVar (database versions not stated): gnomAD exomes below 0.00001.
gnomAD v4.1: 1 of 1,613,684 alleles (0.000062%); highest among the groups gnomAD compares: South Asian, 0.0011%; no homozygotes.

Submission:

Labcorp Genetics (formerly Invitae), Labcorp
Classification: Uncertain significance for Early-infantile DEE. Last evaluated: 2024-02-24. Review status: criteria provided, single submitter. Criteria: Invitae Variant Classification Sherloc (09022015). Collection method: clinical testing. Allele origin: germline.
Comment: This sequence change replaces aspartic acid, which is acidic and polar, with glycine, which is neutral and non-polar, at codon 1962 of the SCN1A protein (p.Asp1962Gly). This variant is not present in population databases (gnomAD no frequency). This variant has not been reported in the literature in individuals affected with SCN1A-related conditions. ClinVar contains an entry for this variant (Variation ID: 1002875). Advanced modeling of protein sequence and biophysical properties (such as structural, functional, and spatial information, amino acid conservation, physicochemical variation, residue mobility, and thermodynamic stability) performed at Invitae indicates that this missense variant is not expected to disrupt SCN1A protein function with a negative predictive value of 95%. In summary, the available evidence is currently insufficient to determine the role of this variant in disease. Therefore, it has been classified as a Variant of Uncertain Significance.